The following is an entry in ClinVar:

ClinVar aggregate classification (germline): Benign/Likely benign. Review status: criteria provided, multiple submitters, no conflicts (2 of 4 stars). 3 submissions from 3 submitters: Benign (1); Likely benign (2). Last evaluated 2025-11-14.

Conditions:
LCA5-related disorder. Also called: LCA5-related condition.

Submissions (3):

PreventionGenetics, part of Exact Sciences
Classification: Likely benign for LCA5-related condition. Last evaluated: 2025-11-14. Review status: criteria provided, single submitter. Criteria: ACMG Guidelines, 2015. Collection method: clinical testing. Allele origin: germline.
Comment: This variant is classified as likely benign based on ACMG/AMP sequence variant interpretation guidelines (Richards et al. 2015 PMID: 25741868, with internal and published modifications).

Labcorp Genetics (formerly Invitae), Labcorp
Classification: Benign. Last evaluated: 2023-12-12. Review status: criteria provided, single submitter. Criteria: Invitae Variant Classification Sherloc (09022015). Collection method: clinical testing. Allele origin: germline.

Blueprint Genetics
Classification: Likely benign. Last evaluated: 2023-01-05. Review status: criteria provided, single submitter. Criteria: ACMG Guidelines, 2015. Collection method: clinical testing. Allele origin: germline.

NM_001122769.3(LCA5):c.191-3del

Gene: LCA5 (lebercilin LCA5; minus strand). Cytogenetic location: 6q14.1.
Variant type: Deletion.
Coding change: c.191-3del on transcript NM_001122769.3 (MANE Select); 3 bases into the intron before coding-DNA position 191, one base deleted (T; older notation c.191-3delT).
Molecular consequence: intron variant.
Genome position (GRCh38, 1-based): chr6:79,513,744, A deleted on the plus strand (T on the coding strand, the reverse complement: LCA5 is on the minus strand); the first of 6 consecutive A bases (chr6:79,513,744-79,513,749); deleting any one gives the same sequence. VCF-style (leftmost placement, unchanged base first): chr6-79513743-TA-T. GRCh37 (hg19) VCF-style: chr6-80223460-TA-T.
Other names: c.191-3delT (NM_181714.3); c.191-3del (NM_181714.4).
Identifiers: ClinVar variation 1169359 (VCV001169359.11), dbSNP rs754019441, ClinGen allele CA3901175.